The following is an entry in ClinVar:

NM_001384317.1(ZHX3):c.559A>G (p.Met187Val)

Gene: ZHX3 (zinc fingers and homeoboxes 3; minus strand). Cytogenetic location: 20q12.
Variant type: single nucleotide variant.
Coding change: c.559A>G on transcript NM_001384317.1 (MANE Select); coding-DNA position 559, A replaced by G.
Protein change: p.Met187Val; replaces methionine 187 with valine.
Molecular consequence: missense variant.
Genome position (GRCh38, 1-based): chr20:41,204,358, T>C on the plus strand (A>G on the coding strand, the complement: ZHX3 is on the minus strand). VCF-style: chr20-41204358-T-C. GRCh37 (hg19) VCF-style: chr20-39832998-T-C.
Other names: c.559A>G, p.Met187Val (NM_001384315.1, NM_001384316.1, NM_001384318.1 and 8 more transcripts); short protein forms M187V.
Identifiers: ClinVar variation 4699772 (VCV004699772.1).
Genomic context (GRCh38, chr20:41,204,358, plus strand): 5'-GGACATTCTCCTTGAGTGTATGAATTTTTTTGGCTTCAGCTTTGCCTTTCATTATCTTCA[T>C]GATTGGAGTTTTGGTAATGATGATTTCTGCCTGTCCATCAGCCCCTTCAGCACTGGGCTC-3'
Protein context (NP_001371246.1, residues 177-197): AEIIITKTPI[Met187Val]KIMKGKAEAK

ClinVar aggregate classification (germline): Uncertain significance (1 of 4 stars; one submission).

Submission:

Labcorp Genetics (formerly Invitae), Labcorp
Classification: Uncertain significance. Last evaluated: 2025-10-29. Review status: criteria provided, single submitter. Criteria: Invitae Variant Classification Sherloc (09022015). Collection method: clinical testing. Allele origin: germline.
Comment: This sequence change replaces methionine, which is neutral and non-polar, with valine, which is neutral and non-polar, at codon 187 of the ZHX3 protein (p.Met187Val). This variant is present in population databases (rs751871810, gnomAD 0.007%). This variant has not been reported in the literature in individuals affected with ZHX3-related conditions. An algorithm developed to predict the effect of missense changes on protein structure and function (PolyPhen-2) suggests that this variant is likely to be disruptive. In summary, the available evidence is currently insufficient to determine the role of this variant in disease. Therefore, it has been classified as a Variant of Uncertain Significance.